The following is an entry in ClinVar:

ClinVar aggregate classification (germline): Uncertain significance (1 of 4 stars; one submission).

Submission:

GeneDx
Classification: Uncertain significance. Last evaluated: 2023-06-13. Review status: criteria provided, single submitter. Criteria: GeneDx Variant Classification Process June 2021. Collection method: clinical testing. Allele origin: germline. Affected: yes.
Comment: Not observed at significant frequency in large population cohorts (gnomAD); In silico analysis supports that this missense variant has a deleterious effect on protein structure/function; In silico analysis suggests this variant may impact gene splicing. In the absence of RNA/functional studies, the actual effect of this sequence change is unknown.; Has not been previously published as pathogenic or benign to our knowledge

NM_004247.4(EFTUD2):c.2039A>G (p.Asn680Ser)

Gene: EFTUD2 (elongation factor Tu GTP binding domain containing 2; minus strand). Cytogenetic location: 17q21.31.
Variant type: single nucleotide variant.
Coding change: c.2039A>G on transcript NM_004247.4 (MANE Select); coding-DNA position 2039, A replaced by G.
Protein change: p.Asn680Ser; replaces asparagine 680 with serine.
Molecular consequence: missense variant.
Genome position (GRCh38, 1-based): chr17:44,857,081, T>C on the plus strand (A>G on the coding strand, the complement: EFTUD2 is on the minus strand). VCF-style: chr17-44857081-T-C. GRCh37 (hg19) VCF-style: chr17-42934449-T-C.
Other names: c.1934A>G, p.Asn645Ser (NM_001142605.2); c.2039A>G, p.Asn680Ser (NM_001258353.2); c.2009A>G, p.Asn670Ser (NM_001258354.2); short protein forms N645S, N670S, N680S.
Identifiers: ClinVar variation 3359513 (VCV003359513.1).